The following is an entry in ClinVar:

ClinVar aggregate classification (germline): Likely benign. Review status: criteria provided, multiple submitters, no conflicts (2 of 4 stars). 4 submissions from 4 submitters: Likely benign (4). Last evaluated 2026-07-23.

Conditions:
HOMER2-related disorder. Also called: HOMER2-related condition.

Allele frequency attached by ClinVar (database versions not stated): ExAC 0.00015; gnomAD exomes 0.00017 and 0.00045; gnomAD 0.00023 and 0.00024; TOPMed 0.00027; ESP Exome Variant Server 0.00049.
gnomAD v4.1: 680 of 1,605,358 alleles (0.042%); highest among the groups gnomAD compares: Non-Finnish European, 0.053%; 1 homozygote.

Submissions (4):

PreventionGenetics, part of Exact Sciences
Classification: Likely benign for HOMER2-related condition. Last evaluated: 2026-07-23. Review status: criteria provided, single submitter. Criteria: ACMG Guidelines, 2015. Collection method: clinical testing. Allele origin: germline.
Comment: This variant is classified as likely benign based on ACMG/AMP sequence variant interpretation guidelines (Richards et al. 2015 PMID: 25741868, with internal and published modifications).

Labcorp Genetics (formerly Invitae), Labcorp
Classification: Likely benign. Last evaluated: 2025-06-24. Review status: criteria provided, single submitter. Criteria: Invitae Variant Classification Sherloc (09022015). Collection method: clinical testing. Allele origin: germline.

Blueprint Genetics
Classification: Likely benign. Last evaluated: 2024-05-17. Review status: criteria provided, single submitter. Criteria: ACMG Guidelines, 2015. Collection method: clinical testing. Allele origin: germline.

GeneDx
Classification: Likely benign. Last evaluated: 2020-11-05. Review status: criteria provided, single submitter. Criteria: GeneDx Variant Classification Process June 2021. Collection method: clinical testing. Allele origin: germline. Affected: yes.

NM_004839.4(HOMER2):c.93G>A (p.Ala31=)

Gene: HOMER2 (homer scaffold protein 2; minus strand). Cytogenetic location: 15q25.2.
Variant type: single nucleotide variant.
Coding change: c.93G>A on transcript NM_004839.4 (MANE Select); coding-DNA position 93, G replaced by A.
Protein change: p.Ala31=; no amino-acid change (alanine 31 retained).
Molecular consequence: synonymous variant.
Genome position (GRCh38, 1-based): chr15:82,892,754, C>T on the plus strand (G>A on the coding strand, the complement: HOMER2 is on the minus strand). VCF-style: chr15-82892754-C-T. GRCh37 (hg19) VCF-style: chr15-83561506-C-T.
Other names: c.93G>A (NM_004839.3); c.93G>A, p.Ala31= (NM_199330.3).
Identifiers: ClinVar variation 1316978 (VCV001316978.8), dbSNP rs77711643, ClinGen allele CA7702276.